The following is an entry in ClinVar:

ClinVar aggregate classification (germline): Benign (1 of 4 stars; one submission).

Allele frequency attached by ClinVar (database versions not stated): gnomAD 0.00827; gnomAD exomes 0.00852; 1000 Genomes Project 0.00359; 1000 Genomes Project 30x 0.00359; TOPMed 0.00649.
gnomAD v4.1: 2,883 of 348,038 alleles (0.83%); highest among the groups gnomAD compares: Non-Finnish European, 1.1%; 38 homozygotes.

Submission:

CeGaT Center for Human Genetics Tuebingen
Classification: Benign. Last evaluated: 2023-07-01. Review status: criteria provided, single submitter. Criteria: CeGaT Center For Human Genetics Tuebingen Variant Classification Criteria Version 2. Collection method: clinical testing. Allele origin: germline. Affected: yes. Observed: 7 variant alleles.
Comment: GNA11: BS1, BS2

NM_002067.5(GNA11):c.*240C>G

Gene: GNA11 (G protein subunit alpha 11; plus strand). Cytogenetic location: 19p13.3.
Variant type: single nucleotide variant.
Coding change: c.*240C>G on transcript NM_002067.5 (MANE Select); 240 bases downstream of the stop codon, C replaced by G.
Molecular consequence: 3 prime UTR variant.
Genome position (GRCh38, 1-based): chr19:3,121,419, C>G. VCF-style: chr19-3121419-C-G. GRCh37 (hg19) VCF-style: chr19-3121417-C-G.
Identifiers: ClinVar variation 1879410 (VCV001879410.29), dbSNP rs181655611, ClinGen allele CA9075145.